The following is an entry in ClinVar:

ClinVar aggregate classification (germline): Likely benign. Review status: reviewed by expert panel (3 of 4 stars). 36 submissions from 35 submitters: Likely benign (1). 35 of the submissions do not count toward it. Last evaluated 2025-11-14.

Conditions:
TNNT2-related disorder. Also called: TNNT2-related condition.
Cardiovascular phenotype. Identifiers: MedGen CN230736.
Dilated cardiomyopathy 1D. Identifiers: Orphanet 154, Orphanet 54260, MedGen C1832243, MONDO:0011095, OMIM 601494.
Cardiomyopathy, familial restrictive, 3. Identifiers: Orphanet 75249, MedGen C2676271, MONDO:0012900, OMIM 612422.
Hypertrophic cardiomyopathy 2. Also called: TNNT2-Related Familial Hypertrophic Cardiomyopathy. Identifiers: MedGen C1861864, MONDO:0007266, OMIM 115195.
Cardiomyopathy (CMYO). Also called: Cardiomyopathies. Identifiers: Orphanet 167848, MedGen C0878544, MONDO:0004994, HP:0001638. Inheritance: Various modes of inheritance.
Hypertrophic cardiomyopathy 1 (CMH1). Also called: MYH7-Related Familial Hypertrophic Cardiomyopathy; Familial hypertrophic cardiomyopathy 1. Identifiers: MedGen C3495498, MONDO:0008647, OMIM 192600.
Hypertrophic cardiomyopathy. Also called: HYPERTROPHIC MYOCARDIOPATHY. Identifiers: Orphanet 217569, MedGen C0007194, MeSH D002312, MONDO:0005045, HP:0001639.

Allele frequency attached by ClinVar (database versions not stated): gnomAD exomes 0.00053 and 0.00036; TOPMed 0.00042; ExAC 0.00043; gnomAD 0.00044 and 0.00042.
gnomAD v4.1: 827 of 1,611,210 alleles (0.051%); highest among the groups gnomAD compares: Non-Finnish European, 0.064%; no homozygotes.

Submissions 1 to 5 of 36:

ClinGen Cardiomyopathy Variant Curation Expert Panel
Classification: Likely benign for Hypertrophic cardiomyopathy. Last evaluated: 2025-11-14. Review status: reviewed by expert panel. Criteria: ClinGen CMP ACMG Specifications TNNT2 V1.0.0. Collection method: curation. Allele origin: germline. Inheritance: Autosomal dominant inheritance.
Comment: NM_001276345.2(TNNT2):c.862C>T (p.Arg288Cys). This variant has been reported in individuals with HCM and other cardiomyopathies, many of whom carried a second clinically significant variant in another gene (BP2). Segregation analysis in families has yielded inconclusive results as it is reported to have incomplete penetrance and to cause mild and late onset HCM (LMM data, Watkins 1995 PMID: 7898523, Elliott 1999 PMID: 10610467, Van Driest 2003 PMID: 12860912, Garcia_Castro 2003 PMID: 12881443, Torricelli 2003 PMID: 14636924, Ingles 2005 PMID: 16199542, Zeller 2006 PMID: 16715312, Garcia-Castro 2007 PMID: 17101185, Garcia_Castro 2009 PMID: 19150014, Kaskai 2009 PMID: 20031618, Gimeno 2009 PMID: 20038417, Millat 2010 PMID: 20624503, Narsupalli 2010 PMID: 20663266, Gruner 2011 PMID: 21511876, Millat 2011 PMID: 21846512, Pasquale 2012 PMID: 22144547, Pan 2012 PMID: 23074333, Coppini 2014 PMID: 25524337, Ripoll-Vera 2016 PMID: 26507537, Song 2016 PMID: 26681313, Murphy 2016 PMID: 26914223, Whiffin 2017 PMID: 28518168, Viswanathan 2017 PMID: 29121657, Aljeaid 2019 PMID: 30762279). This variant has also been identified in 76 out of 125670 (0.05% GroupMax FAF 95% CI) of European chromosomes in gnomAD (BS1; v.2.1). This variant is not statistically increased in individuals with cardiomyopathy compared to controls [OR lower 95% CI <5] and thus the PS4 criterion is not invoked. Experimental studies evaluating the functional impact of this variant are conflicting: Animal models have shown that this variant does not cause significant hypertrophy or ventricular fibrosis even after chronic exercise challenge, and no difference in either ATPase calcium sensitivity or contractile force in muscle fibers ex vivo and in vitro (Hernandez 2005 PMID: 16115869), while in vitro functional studies show that this variant increases Ca2+ sensitivity and leads to abnormal myosin cross-bridges (Morimoto 1999 PMID 10405326, Yanaga 1999 PMID 10085122, Szczesna 2000 PMID 10617660, Schuldt 2021 PMID 33148509). Computational prediction tools do not provide evidence for or against an impact to the protein (REVEL score <0.70). In summary, this variant meets criteria to be classified as likely benign for cardiomyopathy in an autosomal dominant manner based on BS1 and BP2.

Ambry Genetics
Classification: Uncertain significance for Cardiovascular phenotype. Last evaluated: 2026-06-11. Review status: criteria provided, single submitter. Criteria: Ambry Variant Classification Scheme 2023. Collection method: clinical testing. Allele origin: germline. Not counted in ClinVar's aggregate classification.
Comment: The c.832C>T (p.R278C) alteration is located in exon 16 (coding exon 15) of the TNNT2 gene. This alteration results from a C to T substitution at nucleotide position 832, causing the arginine (R) at amino acid position 278 to be replaced by a cysteine (C). Based on data from gnomAD, the T allele has an overall frequency of 0.036% (98/275570) total alleles studied. The highest observed frequency was 0.061% (76/125670) of European (non-Finnish) alleles. The frequency for this variant is above the maximum credible frequency for a disease-causing variant in this gene based on internally established thresholds (Whiffin, 2017; Karczewski, 2020). However, this alteration is enriched in HCM cohorts compared with the general population (Alfares, 2015; Ambry internal data). This alteration has been reported in several individuals with hypertrophic cardiomyopathy (HCM) and has segregated with disease in multiple small families, although it has also been detected in unaffected relatives (Watkins, 1995; Garc&iacute;a-Castro, 2003; Theopistou, 2004; Brito, 2012; Alfares, 2015; Ripoll-Vera, 2016). This alteration was also identified in an individual with dilated cardiomyopathy (DCM), but clinical details were limited (Millat, 2011). Variants in other cardiac-related genes have co-occurred with this variant in a number of individuals, at least some of whom exhibited a severe HCM phenotype (Gimeno, 2009; Millat, 2010; Ripoll-Vera, 2016; Cecconi, 2016; Sanchez, 2016). This amino acid position is not well conserved in available vertebrate species. Internal structural analysis suggests that this variant disrupts protein-protein interactions within the troponin complex (Ambry internal data). Functional studies have suggested that this alteration may affect muscle contraction through decreased maximal force, increased Ca2+ sensitivity, and/or altered myosin cross-bridges, but the physiological relevance of these effects is unclear (Yanaga, 1999; Morimoto, 1999; Szczesna, 2000; Hernandez, 2005; Midde, 2011; Brunet, 2012). The in silico prediction for this alteration is inconclusive. Based on insufficient or conflicting evidence, the clinical significance of this alteration remains unclear.

Labcorp Genetics (formerly Invitae), Labcorp
Classification: Uncertain significance for Cardiomyopathy, familial restrictive, 3; Hypertrophic cardiomyopathy 2; Dilated cardiomyopathy 1D. Last evaluated: 2026-02-04. Review status: criteria provided, single submitter. Criteria: Invitae Variant Classification Sherloc (09022015). Collection method: clinical testing. Allele origin: germline. Not counted in ClinVar's aggregate classification.
Comment: This sequence change replaces arginine, which is basic and polar, with cysteine, which is neutral and slightly polar, at codon 278 of the TNNT2 protein (p.Arg278Cys). This variant is present in population databases (rs121964857, gnomAD 0.06%), and has an allele count higher than expected for a pathogenic variant. This missense change has been observed in individual(s) with hypertrophic cardiomyopathy (PMID: 7898523, 15958377, 25524337, 26507537; internal data). This variant is also known as c.862C>T (p.Arg288Cys). ClinVar contains an entry for this variant (Variation ID: 12411). Invitae Evidence Modeling of protein sequence and biophysical properties (such as structural, functional, and spatial information, amino acid conservation, physicochemical variation, residue mobility, and thermodynamic stability) indicates that this missense variant is not expected to disrupt TNNT2 protein function with a negative predictive value of 80%. Experimental studies have shown that this missense change affects TNNT2 function (PMID: 10085122, 10405326, 10617660, 11432788, 16115869, 16777946, 19033660, 21683708, 22500102, 24418317). This variant disrupts the p.Arg278 amino acid residue in TNNT2. Other variant(s) that disrupt this residue have been determined to be pathogenic (PMID: 12974739, 15958377, 20057144, 23283745, 24793961). This suggests that this residue is clinically significant, and that variants that disrupt this residue are likely to be disease-causing. In summary, the available evidence is currently insufficient to determine the role of this variant in disease. Therefore, it has been classified as a Variant of Uncertain Significance.

PreventionGenetics, part of Exact Sciences
Classification: Likely benign for TNNT2-related condition. Last evaluated: 2026-01-28. Review status: criteria provided, single submitter. Criteria: ACMG Guidelines, 2015. Collection method: clinical testing. Allele origin: germline. Not counted in ClinVar's aggregate classification.
Comment: This variant is classified as likely benign based on ACMG/AMP sequence variant interpretation guidelines (Richards et al. 2015 PMID: 25741868, with internal and published modifications).

Mayo Clinic Laboratories, Mayo Clinic
Classification: Uncertain significance. Last evaluated: 2025-11-20. Review status: criteria provided, single submitter. Criteria: ACMG Guidelines, 2015. Collection method: clinical testing. Allele origin: germline. Observed: 3 variant alleles. Not counted in ClinVar's aggregate classification.
Comment: BS1, BS3_moderate, BS4, PP1, PS3_supporting

NM_001276345.2(TNNT2):c.862C>T (p.Arg288Cys)

Gene: TNNT2 (troponin T2, cardiac type; minus strand). Cytogenetic location: 1q32.1.
Variant type: single nucleotide variant.
Coding change: c.862C>T on transcript NM_001276345.2 (MANE Select); coding-DNA position 862, C replaced by T.
Protein change: p.Arg288Cys; replaces arginine 288 with cysteine.
Molecular consequence: missense variant.
Genome position (GRCh38, 1-based): chr1:201,359,245, G>A on the plus strand (C>T on the coding strand, the complement: TNNT2 is on the minus strand). VCF-style: chr1-201359245-G-A. GRCh37 (hg19) VCF-style: chr1-201328373-G-A.
Other names: p.R278C:CGC>TGC; c.853C>T, p.Arg285Cys (NM_000364.4); c.832C>T, p.Arg278Cys (NM_001001430.3, NM_001276347.2); c.823C>T, p.Arg275Cys (NM_001001431.3); c.814C>T, p.Arg272Cys (NM_001001432.3); c.733C>T, p.Arg245Cys (NM_001276346.2); short protein forms R278C, R285C, R288C, R272C, R245C, R275C.
Identifiers: ClinVar variation 12411 (VCV000012411.109), dbSNP rs121964857, ClinGen allele CA005245.
Genomic context (GRCh38, chr1:201,359,245, plus strand): 5'-GATCTTTGGTGAAGGAGGCCAGGCTCTATTTCCAGCGCCCGGTGACTTTAGCCTTCCCGC[G>A]GGTCTTGGAGCTGCAGGGGAAGCAGGACGCAGTGACATGGAGACACAGGCAGGGTAGTAG-3'
Protein context (NP_001263274.1, residues 278-298): INDNQKVSKT[Arg288Cys]GKAKVTGRWK